The following is an entry in ClinVar:

ClinVar aggregate classification (germline): Likely pathogenic (1 of 4 stars; one submission).

Conditions:
Cardiovascular phenotype. Identifiers: MedGen CN230736.

Submission:

Ambry Genetics
Classification: Likely pathogenic for Cardiovascular phenotype. Last evaluated: 2021-06-11. Review status: criteria provided, single submitter. Criteria: Ambry Variant Classification Scheme 2023. Collection method: clinical testing. Allele origin: germline.
Comment: The c.58067_58068insAlu likely pathogenic variant results from the insertion of an Alu element between nucleotides 58067 and 58068 in coding exon 153 of the TTN gene. This exon is located in the A-band region of the N2-B isoform of the titin protein and is constitutively expressed in TTN transcripts (percent spliced in or PSI 100%). Mobile element insertions contribute to pathogenicity by either disrupting the coding sequence or inducing aberrant splicing (Belancio VP et al. Semin. Cancer Biol. 2010 Aug;20:200-10; Deininger P et al. Genome Biol. 2011 Dec;12:236; van der Klift HM. Hum Mutat. 2012 Jul;33(7):1051-5). As such, this alteration is expected to result in loss of function by premature protein truncation or nonsense-mediated mRNA decay. While truncating variants in TTN are present in 1-3% of the general population, truncating variants in the A-band are the most common cause of dilated cardiomyopathy (DCM) (Herman DS et al. N. Engl. J. Med., 2012 Feb;366:619-28; Roberts AM et al. Sci Transl Med, 2015 Jan;7:270ra6). TTN truncating variants encoded in constitutive exons (PSI >90%) have been found to be significantly associated with DCM regardless of their position in titin (Schafer S et al. Nat. Genet., 2017 01;49:46-53). Based on the majority of available evidence to date, this variant is likely to be pathogenic.

NM_003319.4:c.58067_58068insALU

Gene: TTN (titin; minus strand).
Variant type: Insertion.
Other names: c.58067_58068insALU (NM_003319.4).
Identifiers: ClinVar variation 1749813 (VCV001749813.2).